The following is an entry in ClinVar:

ClinVar aggregate classification (germline): Uncertain significance. Review status: criteria provided, multiple submitters, no conflicts (2 of 4 stars). 3 submissions from 3 submitters: Uncertain significance (2). 1 of the submissions does not count toward it. Last evaluated 2022-02-09.

Conditions:
Nephronophthisis 1 (NPHP1). Also called: Nephronophthisis familial juvenile. Identifiers: Orphanet 655, Orphanet 93592, MedGen C1855681, MONDO:0009728, OMIM 256100.
NPHP1-related disorder. Also called: NPHP1-related condition; NPHP1-related disorders.
Nephronophthisis. Also called: Juvenile Nephronophthisis. Identifiers: Orphanet 655, MedGen C0687120, MONDO:0019005, HP:0000090.

Allele frequency attached by ClinVar (database versions not stated): gnomAD exomes below 0.00001; ExAC 0.00001.
gnomAD v4.1: 2 of 1,595,770 alleles (0.00013%); highest among the groups gnomAD compares: East Asian, 0.0022%; no homozygotes.

Submissions (3):

Centre of Medical Genetics, University Hospital Muenster
Classification: Uncertain significance for Nephronophthisis 1. Last evaluated: 2022-02-09. Review status: criteria provided, single submitter. Criteria: ACMG Guidelines, 2015. Collection method: clinical testing. Allele origin: germline. Affected: yes. Observed: 1 variant allele, 1 homozygote.
Comment: ACMG categories: PM2,PP3,PP5

Labcorp Genetics (formerly Invitae), Labcorp
Classification: Uncertain significance for Nephronophthisis. Last evaluated: 2021-08-16. Review status: criteria provided, single submitter. Criteria: Invitae Variant Classification Sherloc (09022015). Collection method: clinical testing. Allele origin: germline.
Comment: This sequence change replaces arginine with lysine at codon 48 of the NPHP1 protein (p.Arg48Lys). The arginine residue is moderately conserved and there is a small physicochemical difference between arginine and lysine. This variant also falls at the last nucleotide of exon 2, which is part of the consensus splice site for this exon. This variant is present in population databases (rs779393628, ExAC 0.01%). This missense change has been observed in individual(s) with nephronophthisis (PMID: 23559409). Algorithms developed to predict the effect of missense changes on protein structure and function are either unavailable or do not agree on the potential impact of this missense change (SIFT: "Tolerated"; PolyPhen-2: "Probably Damaging"; Align-GVGD: "Class C0"). Variants that disrupt the consensus splice site are a relatively common cause of aberrant splicing (PMID: 17576681, 9536098). Algorithms developed to predict the effect of sequence changes on RNA splicing suggest that this variant may disrupt the consensus splice site. In summary, the available evidence is currently insufficient to determine the role of this variant in disease. Therefore, it has been classified as a Variant of Uncertain Significance.

PreventionGenetics, part of Exact Sciences
Classification: Uncertain significance for NPHP1-related condition. Last evaluated: 2024-04-21. Review status: no assertion criteria provided. Collection method: clinical testing. Allele origin: germline. Not counted in ClinVar's aggregate classification.
Comment: The NPHP1 c.143G>A variant is predicted to result in the amino acid substitution p.Arg48Lys. This nucleotide change is located at the last base of exon 2 and is predicted to significantly weaken the nearby normal splice donor site signal (SpliceAI and Alamut Visual Plus v1.6.1). This variant was reported in one individual with a nephronophthisis-related ciliopathy and one individual with suspected retinitis pigmentosa, respectively (in the homozygous state in Halbritter et al. 2013. PubMed ID: 23559409; reported as a variant of uncertain significance at Table S4 of Kim et al. 2021. PubMed ID: 33946315). This variant is reported in 0.0055% of alleles in individuals of East Asian descent in gnomAD. Although we highly suspect that this variant is pathogenic, at this time, the clinical significance of this variant is uncertain due to the absence of conclusive functional and genetic evidence.

Literature cited by the submitters: PubMed 23559409 (cited by Labcorp Genetics (formerly Invitae), Labcorp); PubMed 17576681 (cited by Labcorp Genetics (formerly Invitae), Labcorp); PubMed 9536098 (cited by Labcorp Genetics (formerly Invitae), Labcorp).

NM_001128178.3(NPHP1):c.143G>A (p.Arg48Lys)

Gene: NPHP1 (nephrocystin 1; minus strand). Cytogenetic location: 2q13.
Variant type: single nucleotide variant.
Coding change: c.143G>A on transcript NM_001128178.3 (MANE Select); coding-DNA position 143, G replaced by A.
Protein change: p.Arg48Lys; replaces arginine 48 with lysine.
Molecular consequence: missense variant.
Genome position (GRCh38, 1-based): chr2:110,201,421, C>T on the plus strand (G>A on the coding strand, the complement: NPHP1 is on the minus strand). VCF-style: chr2-110201421-C-T. GRCh37 (hg19) VCF-style: chr2-110958998-C-T.
Other names: c.143G>A (NM_000272.3); c.143G>A, p.Arg48Lys (NM_000272.5, NM_001128179.3, NM_001374256.1 and 2 more transcripts); short protein forms R48K.
Identifiers: ClinVar variation 1439766 (VCV001439766.6), dbSNP rs779393628, ClinGen allele CA1827495.